The following is an entry in ClinVar:

ClinVar aggregate classification (germline): Uncertain significance (1 of 4 stars; one submission).

Conditions:
Charcot-Marie-Tooth disease axonal type 2Z. Also called: CHARCOT-MARIE-TOOTH DISEASE, AXONAL, AUTOSOMAL DOMINANT, TYPE 2Z; CHARCOT-MARIE-TOOTH NEUROPATHY, TYPE 2Z. Identifiers: Orphanet 466768, MedGen C5569025, MONDO:0014736, OMIM 616688.

Submission:

Labcorp Genetics (formerly Invitae), Labcorp
Classification: Uncertain significance for Charcot-Marie-Tooth disease axonal type 2Z. Last evaluated: 2024-03-14. Review status: criteria provided, single submitter. Criteria: Invitae Variant Classification Sherloc (09022015). Collection method: clinical testing. Allele origin: germline.
Comment: This sequence change replaces glycine, which is neutral and non-polar, with glutamic acid, which is acidic and polar, at codon 460 of the MORC2 protein (p.Gly460Glu). This variant is not present in population databases (gnomAD no frequency). This variant has not been reported in the literature in individuals affected with MORC2-related conditions. ClinVar contains an entry for this variant (Variation ID: 572631). Advanced modeling of protein sequence and biophysical properties (such as structural, functional, and spatial information, amino acid conservation, physicochemical variation, residue mobility, and thermodynamic stability) has been performed at Invitae for this missense variant, however the output from this modeling did not meet the statistical confidence thresholds required to predict the impact of this variant on MORC2 protein function. In summary, the available evidence is currently insufficient to determine the role of this variant in disease. Therefore, it has been classified as a Variant of Uncertain Significance.

NM_001303256.3(MORC2):c.1379G>A (p.Gly460Glu)

Gene: MORC2 (MORC family CW-type zinc finger 2; minus strand). Cytogenetic location: 22q12.2.
Variant type: single nucleotide variant.
Coding change: c.1379G>A on transcript NM_001303256.3 (MANE Select); coding-DNA position 1379, G replaced by A.
Protein change: p.Gly460Glu; replaces glycine 460 with glutamic acid.
Molecular consequence: missense variant.
Genome position (GRCh38, 1-based): chr22:30,937,702, C>T on the plus strand (G>A on the coding strand, the complement: MORC2 is on the minus strand). VCF-style: chr22-30937702-C-T. GRCh37 (hg19) VCF-style: chr22-31333689-C-T.
Other names: c.1379G>A, p.Gly460Glu (NM_001303257.2); c.1193G>A, p.Gly398Glu (NM_014941.3); short protein forms G398E, G460E.
Identifiers: ClinVar variation 572631 (VCV000572631.11), dbSNP rs1569192110, ClinGen allele CA411238511.